The following is an entry in ClinVar:

NM_019844.4(SLCO1B3):c.1977G>A (p.Ser659=)

Genes: SLCO1B3 (solute carrier organic anion transporter family member 1B3; plus strand), SLCO1B3-SLCO1B7 (SLCO1B3-SLCO1B7 readthrough; plus strand). Cytogenetic location: 12p12.2.
Variant type: single nucleotide variant.
Coding change: c.1977G>A on transcript NM_019844.4 (MANE Select); coding-DNA position 1977, G replaced by A.
Protein change: p.Ser659=; no amino-acid change (serine 659 retained).
Molecular consequence: synonymous variant.
Genome position (GRCh38, 1-based): chr12:20,916,115, G>A. VCF-style: chr12-20916115-G-A. GRCh37 (hg19) VCF-style: chr12-21069049-G-A.
Other names: c.1893G>A, p.Ser631= (NM_001349920.2).
Identifiers: ClinVar variation 307914 (VCV000307914.22), dbSNP rs60571683, ClinGen allele CA6475784.
Genomic context (GRCh38, chr12:20,916,115, plus strand): 5'-ATATATTGTTTTCATTTTTGCTATGAAGAAAAAATTTCAAGGAAAAGATACCAAGGCATC[G>A]GACAATGAAAGAAAAGTAATGGATGAAGCAAACTTAGAATTCTTAAATAATGGTGAACAT-3'
Protein context (NP_062818.1, residues 649-669): KKFQGKDTKA[Ser659=]DNERKVMDEA

ClinVar aggregate classification (germline): Benign. Review status: criteria provided, multiple submitters, no conflicts (2 of 4 stars). 4 submissions from 4 submitters: Benign (3). 1 of the submissions does not count toward it. Last evaluated 2025-07-16.

Conditions:
Rotor syndrome (HBLRR). Also called: HYPERBILIRUBINEMIA, ROTOR TYPE, DIGENIC; HYPERBILIRUBINEMIA, ROTOR TYPE. Identifiers: Orphanet 3111, MedGen C0220991, MONDO:0009379, OMIM 237450.
SLCO1B3-related disorder. Also called: SLCO1B3-related condition.

Allele frequency attached by ClinVar (database versions not stated): 1000 Genomes Project 0.02077; 1000 Genomes Project 30x 0.02249; ExAC 0.03729; gnomAD exomes 0.03786 and 0.04853; gnomAD 0.03819 and 0.03895; TOPMed 0.04154; ESP Exome Variant Server 0.04344.
gnomAD v4.1: 76,816 of 1,612,444 alleles (4.8%); highest among the groups gnomAD compares: Non-Finnish European, 5.6%; 2,283 homozygotes.

Submissions (4):

ARUP Laboratories, Molecular Genetics and Genomics, ARUP Laboratories
Classification: Benign for Rotor syndrome. Last evaluated: 2025-07-16. Review status: criteria provided, single submitter. Criteria: ARUP Molecular Germline Variant Investigation Process 2024. Collection method: clinical testing. Allele origin: germline.

Illumina Laboratory Services, Illumina
Classification: Benign for Rotor syndrome. Last evaluated: 2018-01-12. Review status: criteria provided, single submitter. Criteria: ICSL Variant Classification Criteria 13 December 2019. Collection method: clinical testing. Allele origin: germline.
Comment: This variant was observed in the ICSL laboratory as part of a predisposition screen in an ostensibly healthy population. It had not been previously curated by ICSL or reported in the Human Gene Mutation Database (HGMD: prior to June 1st, 2018), and was therefore a candidate for classification through an automated scoring system. Utilizing variant allele frequency, disease prevalence and penetrance estimates, and inheritance mode, an automated score was calculated to assess if this variant is too frequent to cause the disease. Based on the score and internal cut-off values, a variant classified as benign is not then subjected to further curation. The score for this variant resulted in a classification of benign for this disease.

Breakthrough Genomics
Classification: Benign. Review status: criteria provided, single submitter. Criteria: ACMG Guidelines, 2015. Collection method: not provided. Allele origin: germline. Inheritance: Autosomal recessive inheritance. Affected: yes.

PreventionGenetics, part of Exact Sciences
Classification: Benign for SLCO1B3-related condition. Last evaluated: 2019-09-26. Review status: no assertion criteria provided. Collection method: clinical testing. Allele origin: germline. Not counted in ClinVar's aggregate classification.
Comment: This variant is classified as benign based on ACMG/AMP sequence variant interpretation guidelines (Richards et al. 2015 PMID: 25741868, with internal and published modifications).